The following is an entry in ClinVar:

ClinVar aggregate classification (germline): Conflicting classifications of pathogenicity. Review status: criteria provided, conflicting classifications (1 of 4 stars). 5 submissions from 5 submitters: Uncertain significance (3); Likely benign (1). 1 of the submissions does not count toward it. Last evaluated 2025-09-10.

Conditions:
Becker muscular dystrophy (BMD). Also called: Becker Muscular Dystrophy (BMD); MUSCULAR DYSTROPHY, PSEUDOHYPERTROPHIC PROGRESSIVE, BECKER TYPE. Identifiers: Orphanet 98895, MedGen C0917713, MONDO:0010311, OMIM 300376.
Dystrophin deficiency.
Duchenne muscular dystrophy (DMD). Also called: MUSCULAR DYSTROPHY, PSEUDOHYPERTROPHIC PROGRESSIVE, DUCHENNE TYPE; Duchenne Muscular Dystrophy (DMD). Identifiers: Orphanet 98896, MedGen C0013264, MONDO:0010679, OMIM 310200.
Cardiomyopathy (CMYO). Also called: Cardiomyopathies. Identifiers: Orphanet 167848, MedGen C0878544, MONDO:0004994, HP:0001638. Inheritance: Various modes of inheritance.
Dilated cardiomyopathy 3B (CMD3B). Also called: CMD3B: DMD-Related Dilated Cardiomyopathy; CARDIOMYOPATHY, DILATED, X-LINKED; DMD-Associated Dilated Cardiomyopathy. Identifiers: Orphanet 154, MedGen C3668940, MONDO:0010542, OMIM 302045.

Allele frequency attached by ClinVar (database versions not stated): ExAC 0.00001; gnomAD 0.00003; TOPMed 0.00004.
gnomAD v4.1: 6 of 1,208,554 alleles (0.0005%); highest among the groups gnomAD compares: African/African-American, 0.0035%; no homozygotes.

Submissions (5):

Labcorp Genetics (formerly Invitae), Labcorp
Classification: Uncertain significance for Duchenne muscular dystrophy. Last evaluated: 2025-09-10. Review status: criteria provided, single submitter. Criteria: Invitae Variant Classification Sherloc (09022015). Collection method: clinical testing. Allele origin: germline.
Comment: This sequence change replaces arginine, which is basic and polar, with tryptophan, which is neutral and slightly polar, at codon 395 of the DMD protein (p.Arg395Trp). The frequency data for this variant in the population databases is considered unreliable, as metrics indicate poor data quality at this position in the gnomAD database. This variant has not been reported in the literature in individuals affected with DMD-related conditions. ClinVar contains an entry for this variant (Variation ID: 290183). Invitae Evidence Modeling of protein sequence and biophysical properties (such as structural, functional, and spatial information, amino acid conservation, physicochemical variation, residue mobility, and thermodynamic stability) indicates that this missense variant is not expected to disrupt DMD protein function with a negative predictive value of 95%. In summary, the available evidence is currently insufficient to determine the role of this variant in disease. Therefore, it has been classified as a Variant of Uncertain Significance.

CeGaT Center for Human Genetics Tuebingen
Classification: Likely benign. Last evaluated: 2025-08-01. Review status: criteria provided, single submitter. Criteria: CeGaT Center For Human Genetics Tuebingen Variant Classification Criteria Version 2. Collection method: clinical testing. Allele origin: germline. Affected: yes. Observed: 1 variant allele.
Comment: DMD: BP4

Fulgent Genetics
Classification: Uncertain significance for Becker muscular dystrophy; Dilated cardiomyopathy 3B; Duchenne muscular dystrophy. Last evaluated: 2021-07-29. Review status: criteria provided, single submitter. Criteria: ACMG Guidelines, 2015. Collection method: clinical testing. Allele origin: unknown.

Eurofins Ntd Llc (ga)
Classification: Uncertain significance. Last evaluated: 2016-08-09. Review status: criteria provided, single submitter. Criteria: EGL Classification Definitions 2015. Collection method: clinical testing. Allele origin: germline. Observed: 1 variant allele, 1 hemizygote.

Natera, Inc.
Classification: Uncertain significance for Becker muscular dystrophy; Cardiomyopathy; Duchenne muscular dystrophy; Dystrophin deficiency. Last evaluated: 2019-01-16. Review status: no assertion criteria provided. Collection method: clinical testing. Allele origin: germline. Not counted in ClinVar's aggregate classification.

NM_004006.3(DMD):c.1183C>T (p.Arg395Trp)

Gene: DMD (dystrophin; minus strand). Cytogenetic location: Xp21.1.
Variant type: single nucleotide variant.
Coding change: c.1183C>T on transcript NM_004006.3 (MANE Select); coding-DNA position 1183, C replaced by T.
Protein change: p.Arg395Trp; replaces arginine 395 with tryptophan.
Molecular consequence: missense variant.
Genome position (GRCh38, 1-based): chrX:32,644,280, G>A on the plus strand (C>T on the coding strand, the complement: DMD is on the minus strand). VCF-style: chrX-32644280-G-A. GRCh37 (hg19) VCF-style: chrX-32662397-G-A.
Other names: c.1159C>T, p.Arg387Trp (NM_000109.4); c.1171C>T, p.Arg391Trp (NM_004009.3); c.814C>T, p.Arg272Trp (NM_004010.3); short protein forms R395W, R272W, R387W, R391W.
Identifiers: ClinVar variation 290183 (VCV000290183.23), dbSNP rs780356433, ClinGen allele CA10379947.